The following is an entry in ClinVar:

NM_001036.6(RYR3):c.5144G>C (p.Gly1715Ala)

Gene: RYR3 (ryanodine receptor 3; plus strand). Cytogenetic location: 15q14.
Variant type: single nucleotide variant.
Coding change: c.5144G>C on transcript NM_001036.6 (MANE Select); coding-DNA position 5144, G replaced by C.
Protein change: p.Gly1715Ala; replaces glycine 1715 with alanine.
Molecular consequence: missense variant.
Genome position (GRCh38, 1-based): chr15:33,662,674, G>C. VCF-style: chr15-33662674-G-C. GRCh37 (hg19) VCF-style: chr15-33954875-G-C.
Other names: c.5144G>C, p.Gly1715Ala (NM_001243996.4); c.5144G>C (NM_001036.3); short protein forms G1715A.
Identifiers: ClinVar variation 837539 (VCV000837539.10), dbSNP rs756272113, ClinGen allele CA7459191.

ClinVar aggregate classification (germline): Uncertain significance. Review status: criteria provided, multiple submitters, no conflicts (2 of 4 stars). 2 submissions from 2 submitters: Uncertain significance (2). Last evaluated 2024-11-11.

Conditions:
Epileptic encephalopathy. Identifiers: MedGen C0543888, HP:0200134.

Allele frequency attached by ClinVar (database versions not stated): TOPMed 0.00001.
gnomAD v4.1: 3 of 1,614,180 alleles (0.00019%); highest among the groups gnomAD compares: Admixed American, 0.0033%; no homozygotes.

Submissions (2):

Ambry Genetics
Classification: Uncertain significance. Last evaluated: 2024-11-11. Review status: criteria provided, single submitter. Criteria: Ambry Variant Classification Scheme 2023. Collection method: clinical testing. Allele origin: germline.

Labcorp Genetics (formerly Invitae), Labcorp
Classification: Uncertain significance for Epileptic encephalopathy. Last evaluated: 2019-03-14. Review status: criteria provided, single submitter. Criteria: Invitae Variant Classification Sherloc (09022015). Collection method: clinical testing. Allele origin: germline.
Comment: This sequence change replaces glycine with alanine at codon 1715 of the RYR3 protein (p.Gly1715Ala). The glycine residue is highly conserved and there is a small physicochemical difference between glycine and alanine. This variant is present in population databases (rs756272113, ExAC 0.009%). This variant has not been reported in the literature in individuals with RYR3-related conditions. Algorithms developed to predict the effect of missense changes on protein structure and function (SIFT, PolyPhen-2, Align-GVGD) all suggest that this variant is likely to be disruptive, but these predictions have not been confirmed by published functional studies and their clinical significance is uncertain. In summary, the available evidence is currently insufficient to determine the role of this variant in disease. Therefore, it has been classified as a Variant of Uncertain Significance.